The following is an entry in ClinVar:

NM_153704.6(TMEM67):c.2621A>G (p.Tyr874Cys)

Gene: TMEM67 (transmembrane protein 67; plus strand). Cytogenetic location: 8q22.1.
Variant type: single nucleotide variant.
Coding change: c.2621A>G on transcript NM_153704.6 (MANE Select); coding-DNA position 2621, A replaced by G.
Protein change: p.Tyr874Cys; replaces tyrosine 874 with cysteine.
Molecular consequence: missense variant. On other transcripts: non-coding transcript variant (1).
Genome position (GRCh38, 1-based): chr8:93,809,121, A>G. VCF-style: chr8-93809121-A-G. GRCh37 (hg19) VCF-style: chr8-94821349-A-G.
Other names: c.2378A>G, p.Tyr793Cys (NM_001142301.1); short protein forms Y793C, Y874C.
Identifiers: ClinVar variation 1306606 (VCV001306606.2), dbSNP rs2130781526, ClinGen allele CA371699304.

ClinVar aggregate classification (germline): Uncertain significance (1 of 4 stars; one submission).

Allele frequency attached by ClinVar (database versions not stated): gnomAD exomes below 0.00001.
gnomAD v4.1: 1 of 1,609,242 alleles (0.000062%); highest among the groups gnomAD compares: Non-Finnish European, 0.000085%; no homozygotes.

Submission:

GeneDx
Classification: Uncertain significance. Last evaluated: 2019-06-28. Review status: criteria provided, single submitter. Criteria: GeneDx Variant Classification Process June 2021. Collection method: clinical testing. Allele origin: germline. Affected: yes.
Comment: Not observed in large population cohorts (Lek et al., 2016); In silico analysis, which includes protein predictors and evolutionary conservation, supports a deleterious effect; Has not been previously published as pathogenic or benign to our knowledge